The following is an entry in ClinVar:

ClinVar aggregate classification (germline): Benign. Review status: criteria provided, multiple submitters, no conflicts (2 of 4 stars). 5 submissions from 5 submitters: Benign (5). Last evaluated 2026-02-04.

Conditions:
Severe combined immunodeficiency due to DNA-PKcs deficiency. Also called: IMMUNODEFICIENCY 26 WITH NEUROLOGIC ABNORMALITIES; Immunodeficiency 26 with or without neurologic abnormalities. Identifiers: Orphanet 317425, MedGen C4014833, MONDO:0014423, OMIM 615966.

Allele frequency attached by ClinVar (database versions not stated): ESP Exome Variant Server 0.09500; gnomAD exomes 0.11935; gnomAD 0.12047 and 0.12075; TOPMed 0.14299; ExAC 0.15024; 1000 Genomes Project 0.16813; 1000 Genomes Project 30x 0.16818.
gnomAD v4.1: 115,864 of 1,550,242 alleles (7.5%); highest among the groups gnomAD compares: Admixed American, 27%; 7,537 homozygotes.

Submissions (5):

Labcorp Genetics (formerly Invitae), Labcorp
Classification: Benign for Severe combined immunodeficiency due to DNA-PKcs deficiency. Last evaluated: 2026-02-04. Review status: criteria provided, single submitter. Criteria: Invitae Variant Classification Sherloc (09022015). Collection method: clinical testing. Allele origin: germline.

Blueprint Genetics
Classification: Benign. Last evaluated: 2024-11-27. Review status: criteria provided, single submitter. Criteria: ACMG Guidelines, 2015. Collection method: clinical testing. Allele origin: germline.

Unidad de Genómica Garrahan, Hospital de Pediatría Garrahan
Classification: Benign. Last evaluated: 2024-01-24. Review status: criteria provided, single submitter. Criteria: ACMG Guidelines, 2015. Collection method: clinical testing. Allele origin: germline. Affected: no. Observed: 40 variant alleles.
Comment: This variant is classified as Benign based on local population frequency. This variant was detected in 42% of patients studied by a panel of primary immunodeficiencies. Number of patients: 40. Only high quality variants are reported.

GeneDx
Classification: Benign. Last evaluated: 2016-01-05. Review status: criteria provided, single submitter. Criteria: GeneDx Variant Classification (06012015). Collection method: clinical testing. Allele origin: germline. Affected: yes.
Comment: This variant is considered likely benign or benign based on one or more of the following criteria: it is a conservative change, it occurs at a poorly conserved position in the protein, it is predicted to be benign by multiple in silico algorithms, and/or has population frequency not consistent with disease.

Breakthrough Genomics
Classification: Benign. Review status: criteria provided, single submitter. Criteria: ACMG Guidelines, 2015. Collection method: not provided. Allele origin: germline. Inheritance: Autosomal recessive inheritance. Affected: yes.

NM_006904.7(PRKDC):c.8578-18G>T

Gene: PRKDC (protein kinase, DNA-activated, catalytic subunit; minus strand). Cytogenetic location: 8q11.21.
Variant type: single nucleotide variant.
Coding change: c.8578-18G>T on transcript NM_006904.7 (MANE Select); 18 bases into the intron before coding-DNA position 8578, G replaced by T.
Molecular consequence: intron variant.
Genome position (GRCh38, 1-based): chr8:47,826,879, C>A on the plus strand (G>T on the coding strand, the complement: PRKDC is on the minus strand). VCF-style: chr8-47826879-C-A. GRCh37 (hg19) VCF-style: chr8-48739440-C-A.
Other names: c.8578-18G>T (NM_001081640.2).
Identifiers: ClinVar variation 379414 (VCV000379414.12), dbSNP rs4873728, ClinGen allele CA4739787.